The following is an entry in ClinVar:

NM_032776.3(JMJD1C):c.74C>G (p.Ser25Trp)

Genes: JMJD1C (jumonji domain containing 1C; minus strand), JMJD1C-AS1 (JMJD1C antisense RNA 1; plus strand). Cytogenetic location: 10q21.3.
Variant type: single nucleotide variant.
Coding change: c.74C>G on transcript NM_032776.3 (MANE Select); coding-DNA position 74, C replaced by G.
Protein change: p.Ser25Trp; replaces serine 25 with tryptophan.
Molecular consequence: missense variant. On other transcripts: non-coding transcript variant (1), intron variant (2).
Genome position (GRCh38, 1-based): chr10:63,465,589, G>C on the plus strand (C>G on the coding strand, the complement: JMJD1C is on the minus strand). VCF-style: chr10-63465589-G-C. GRCh37 (hg19) VCF-style: chr10-65225349-G-C.
Other names: c.74C>G, p.Ser25Trp (NM_001322252.2); c.-384+56149C>G (NM_001322258.2); c.-379+56149C>G (NM_001318154.2); short protein forms S25W.
Identifiers: ClinVar variation 939376 (VCV000939376.8), dbSNP rs1480443114, ClinGen allele CA377088328.

ClinVar aggregate classification (germline): Uncertain significance (1 of 4 stars; one submission).

Conditions:
Early Myoclonic Encephalopathy. Identifiers: MedGen C0270855.

gnomAD v4.1: 2 of 1,609,558 alleles (0.00012%); highest among the groups gnomAD compares: Admixed American, 0.0033%; no homozygotes.

Submission:

Labcorp Genetics (formerly Invitae), Labcorp
Classification: Uncertain significance for Early Myoclonic Encephalopathy. Last evaluated: 2023-12-02. Review status: criteria provided, single submitter. Criteria: Invitae Variant Classification Sherloc (09022015). Collection method: clinical testing. Allele origin: germline.
Comment: This sequence change replaces serine, which is neutral and polar, with tryptophan, which is neutral and slightly polar, at codon 25 of the JMJD1C protein (p.Ser25Trp). This variant is present in population databases (no rsID available, gnomAD 0.003%). This variant has not been reported in the literature in individuals affected with JMJD1C-related conditions. ClinVar contains an entry for this variant (Variation ID: 939376). An algorithm developed to predict the effect of missense changes on protein structure and function (PolyPhen-2) suggests that this variant is likely to be tolerated. In summary, the available evidence is currently insufficient to determine the role of this variant in disease. Therefore, it has been classified as a Variant of Uncertain Significance.